The following is an entry in ClinVar:

ClinVar aggregate classification (germline): Uncertain significance. Review status: criteria provided, multiple submitters, no conflicts (2 of 4 stars). 2 submissions from 2 submitters: Uncertain significance (2). Last evaluated 2024-10-17.

Conditions:
Inborn genetic diseases. Identifiers: MedGen C0950123, MeSH D030342.

Allele frequency attached by ClinVar (database versions not stated): gnomAD exomes 0.00001; ExAC 0.00002; gnomAD 0.00002; TOPMed 0.00002.
gnomAD v4.1: 24 of 1,613,630 alleles (0.0015%); highest among the groups gnomAD compares: East Asian, 0.0089%; no homozygotes.

Submissions (2):

Labcorp Genetics (formerly Invitae), Labcorp
Classification: Uncertain significance. Last evaluated: 2024-10-17. Review status: criteria provided, single submitter. Criteria: Invitae Variant Classification Sherloc (09022015). Collection method: clinical testing. Allele origin: germline.
Comment: This sequence change replaces arginine, which is basic and polar, with tryptophan, which is neutral and slightly polar, at codon 843 of the MYO18B protein (p.Arg843Trp). This variant is present in population databases (rs780527051, gnomAD 0.02%). This variant has not been reported in the literature in individuals affected with MYO18B-related conditions. An algorithm developed to predict the effect of missense changes on protein structure and function (PolyPhen-2) suggests that this variant is likely to be disruptive. In summary, the available evidence is currently insufficient to determine the role of this variant in disease. Therefore, it has been classified as a Variant of Uncertain Significance.

Ambry Genetics
Classification: Uncertain significance for Inborn genetic diseases. Last evaluated: 2023-09-20. Review status: criteria provided, single submitter. Criteria: Ambry Variant Classification Scheme 2023. Collection method: clinical testing. Allele origin: germline.

NM_032608.7(MYO18B):c.2527C>T (p.Arg843Trp)

Gene: MYO18B (myosin XVIIIB; plus strand). Cytogenetic location: 22q12.1.
Variant type: single nucleotide variant.
Coding change: c.2527C>T on transcript NM_032608.7 (MANE Select); coding-DNA position 2527, C replaced by T.
Protein change: p.Arg843Trp; replaces arginine 843 with tryptophan.
Molecular consequence: missense variant.
Genome position (GRCh38, 1-based): chr22:25,823,510, C>T. VCF-style: chr22-25823510-C-T. GRCh37 (hg19) VCF-style: chr22-26219477-C-T.
Other names: c.2527C>T, p.Arg843Trp (NM_001318245.2); short protein forms R843W.
Identifiers: ClinVar variation 3162308 (VCV003162308.2), dbSNP rs780527051, ClinGen allele CA10160215.